The following is an entry in ClinVar:

ClinVar aggregate classification (germline): Uncertain significance (1 of 4 stars; one submission).

gnomAD v4.1: 34 of 1,612,206 alleles (0.0021%); highest among the groups gnomAD compares: Admixed American, 0.012%; no homozygotes.

Submission:

Labcorp Genetics (formerly Invitae), Labcorp
Classification: Uncertain significance. Last evaluated: 2025-10-03. Review status: criteria provided, single submitter. Criteria: Invitae Variant Classification Sherloc (09022015). Collection method: clinical testing. Allele origin: germline.
Comment: This sequence change replaces valine, which is neutral and non-polar, with isoleucine, which is neutral and non-polar, at codon 2531 of the CELSR2 protein (p.Val2531Ile). This variant is present in population databases (rs192472023, gnomAD 0.02%). This variant has not been reported in the literature in individuals affected with CELSR2-related conditions. Invitae Evidence Modeling of protein sequence and biophysical properties (such as structural, functional, and spatial information, amino acid conservation, physicochemical variation, residue mobility, and thermodynamic stability) indicates that this missense variant is not expected to disrupt CELSR2 protein function with a negative predictive value of 80%. In summary, the available evidence is currently insufficient to determine the role of this variant in disease. Therefore, it has been classified as a Variant of Uncertain Significance.

NM_001408.3(CELSR2):c.7591G>A (p.Val2531Ile)

Gene: CELSR2 (cadherin EGF LAG seven-pass G-type receptor 2; plus strand). Cytogenetic location: 1p13.3.
Variant type: single nucleotide variant.
Coding change: c.7591G>A on transcript NM_001408.3 (MANE Select); coding-DNA position 7591, G replaced by A.
Protein change: p.Val2531Ile; replaces valine 2531 with isoleucine.
Molecular consequence: missense variant.
Genome position (GRCh38, 1-based): chr1:109,271,034, G>A. VCF-style: chr1-109271034-G-A. GRCh37 (hg19) VCF-style: chr1-109813656-G-A.
Other names: short protein forms V2531I.
Identifiers: ClinVar variation 4810266 (VCV004810266.1).
Genomic context (GRCh38, chr1:109,271,034, plus strand): 5'-TGCTGGCTCTCCATCTATGACACGCTCATCTGGAGTTTTGCTGGCCCGGTGGCCTTTGCC[G>A]TCTCGGTGAGTGCTAGCAGGTGGGTTGGGTGTCACCTGTGGCCCTCCTTTGCTGTCCTCC-3'
Protein context (NP_001399.1, residues 2521-2541): WSFAGPVAFA[Val2531Ile]SMSVFLYILA